The following is an entry in ClinVar:

ClinVar aggregate classification (germline): Benign. Review status: criteria provided, multiple submitters, no conflicts (2 of 4 stars). 8 submissions from 8 submitters: Benign (8). Last evaluated 2026-01-22.

Conditions:
Microcephaly 5, primary, autosomal recessive (MCPH5). Also called: ASPM Primary Microcephaly. Identifiers: Orphanet 2512, MedGen C1837501, MONDO:0012106, OMIM 608716.

Allele frequency attached by ClinVar (database versions not stated): TOPMed 0.01507; gnomAD 0.01513 and 0.01434; 1000 Genomes Project 30x 0.01593; gnomAD exomes 0.00188 and 0.00497; ExAC 0.00567; ESP Exome Variant Server 0.01493; 1000 Genomes Project 0.01498.
gnomAD v4.1: 5,044 of 1,612,518 alleles (0.31%); highest among the groups gnomAD compares: African/African-American, 4.6%; 97 homozygotes.

Submissions (8):

Labcorp Genetics (formerly Invitae), Labcorp
Classification: Benign. Last evaluated: 2026-01-22. Review status: criteria provided, single submitter. Criteria: Invitae Variant Classification Sherloc (09022015). Collection method: clinical testing. Allele origin: germline.

Genome-Nilou Lab
Classification: Benign for Microcephaly 5, primary, autosomal recessive. Last evaluated: 2023-04-11. Review status: criteria provided, single submitter. Criteria: ACMG Guidelines, 2015. Collection method: clinical testing. Allele origin: germline. Affected: no.

Athena Diagnostics
Classification: Benign. Last evaluated: 2019-07-08. Review status: criteria provided, single submitter. Criteria: Athena Diagnostics Criteria. Collection method: clinical testing. Allele origin: germline.

Illumina Laboratory Services, Illumina
Classification: Benign for Microcephaly 5, primary, autosomal recessive. Last evaluated: 2018-01-13. Review status: criteria provided, single submitter. Criteria: ICSL Variant Classification Criteria 13 December 2019. Collection method: clinical testing. Allele origin: germline.
Comment: This variant was observed in the ICSL laboratory as part of a predisposition screen in an ostensibly healthy population. It had not been previously curated by ICSL or reported in the Human Gene Mutation Database (HGMD: prior to June 1st, 2018), and was therefore a candidate for classification through an automated scoring system. Utilizing variant allele frequency, disease prevalence and penetrance estimates, and inheritance mode, an automated score was calculated to assess if this variant is too frequent to cause the disease. Based on the score and internal cut-off values, a variant classified as benign is not then subjected to further curation. The score for this variant resulted in a classification of benign for this disease.

Center for Pediatric Genomic Medicine, Children's Mercy Hospital and Clinics
Classification: Benign. Last evaluated: 2017-04-19. Review status: criteria provided, single submitter. Criteria: ACMG Guidelines, 2015. Collection method: clinical testing. Allele origin: germline.

GeneDx
Classification: Benign. Last evaluated: 2015-09-18. Review status: criteria provided, single submitter. Criteria: GeneDx Variant Classification (06012015). Collection method: clinical testing. Allele origin: germline. Affected: yes.
Comment: This variant is considered likely benign or benign based on one or more of the following criteria: it is a conservative change, it occurs at a poorly conserved position in the protein, it is predicted to be benign by multiple in silico algorithms, and/or has population frequency not consistent with disease.

Genetic Services Laboratory, University of Chicago
Classification: Benign. Last evaluated: 2013-02-08. Review status: criteria provided, single submitter. Criteria: ACMG Guidelines, 2007. Collection method: clinical testing. Allele origin: germline. Inheritance: Autosomal recessive inheritance.

Breakthrough Genomics
Classification: Benign. Review status: criteria provided, single submitter. Criteria: ACMG Guidelines, 2015. Collection method: not provided. Allele origin: germline. Inheritance: Autosomal recessive inheritance. Affected: yes.

NM_018136.5(ASPM):c.5063C>T (p.Thr1688Ile)

Gene: ASPM (assembly factor for spindle microtubules; minus strand). Cytogenetic location: 1q31.3.
Variant type: single nucleotide variant.
Coding change: c.5063C>T on transcript NM_018136.5 (MANE Select); coding-DNA position 5063, C replaced by T.
Protein change: p.Thr1688Ile; replaces threonine 1688 with isoleucine.
Molecular consequence: missense variant. On other transcripts: intron variant (1).
Genome position (GRCh38, 1-based): chr1:197,104,188, G>A on the plus strand (C>T on the coding strand, the complement: ASPM is on the minus strand). VCF-style: chr1-197104188-G-A. GRCh37 (hg19) VCF-style: chr1-197073318-G-A.
Other names: c.4066-8024C>T (NM_001206846.2); short protein forms T1688I.
Identifiers: ClinVar variation 157827 (VCV000157827.22), dbSNP rs62624968, ClinGen allele CA171212.
Genomic context (GRCh38, chr1:197,104,188, plus strand): 5'-ATAAATAGTGCAGCTGCTCTTAAATGCAAATATTGTTTACGTGTTTGTTTCATCTTAACA[G>A]TTGACTGCAATTTTATTGTAGCATTTTTTAGGCTCAAAAATTCCTTTTTAGAAACATAAG-3'
Protein context (NP_060606.3, residues 1678-1698): LKNATIKLQS[Thr1688Ile]VKMKQTRKQY